The following is an entry in ClinVar:

NM_000463.3(UGT1A1):c.907G>A (p.Val303Met)

Genes: UGT1A6 (UDP glucuronosyltransferase family 1 member A6; plus strand), UGT1A7 (UDP glucuronosyltransferase family 1 member A7; plus strand), UGT1A8 (UDP glucuronosyltransferase family 1 member A8; plus strand), UGT1A9 (UDP glucuronosyltransferase family 1 member A9; plus strand), UGT1A4 (UDP glucuronosyltransferase family 1 member A4; plus strand) and 5 more. Cytogenetic location: 2q37.1.
Variant type: single nucleotide variant.
Coding change: c.907G>A on transcript NM_000463.3 (MANE Select); coding-DNA position 907, G replaced by A.
Protein change: p.Val303Met; replaces valine 303 with methionine.
Molecular consequence: missense variant.
Genome position (GRCh38, 1-based): chr2:233,767,076, G>A. VCF-style: chr2-233767076-G-A. GRCh37 (hg19) VCF-style: chr2-234675722-G-A.
Other names: c.898G>A, p.Val300Met (NM_019075.4, NM_019076.5, NM_019077.3 and 1 more transcripts); c.904G>A, p.Val302Met (NM_001072.4); c.103G>A, p.Val35Met (NM_205862.3); c.910G>A, p.Val304Met (NM_019078.2, NM_007120.3, NM_019093.4); short protein forms V303M, V35M, V300M, V304M, V302M.
Identifiers: ClinVar variation 593170 (VCV000593170.10), dbSNP rs770930440, ClinGen allele CA2179925.

ClinVar aggregate classification (germline): Uncertain significance. Review status: criteria provided, multiple submitters, no conflicts (2 of 4 stars). 4 submissions from 4 submitters: Uncertain significance (4). Last evaluated 2024-12-31.

Conditions:
UGT1A1-related disorder. Also called: UGT1A1-related disorders; UGT1A1-related condition.

Allele frequency attached by ClinVar (database versions not stated): ExAC 0.00002; gnomAD below 0.00001 and 0.00001; gnomAD exomes 0.00001; TOPMed 0.00001.
gnomAD v4.1: 13 of 1,614,020 alleles (0.00081%); highest among the groups gnomAD compares: Middle Eastern, 0.016%; no homozygotes.

Submissions (4):

Women's Health and Genetics/Laboratory Corporation of America, LabCorp
Classification: Uncertain significance. Last evaluated: 2024-12-31. Review status: criteria provided, single submitter. Criteria: LabCorp Variant Classification Summary - May 2015. Collection method: clinical testing. Allele origin: germline.
Comment: Variant summary: UGT1A1 c.907G>A (p.Val303Met) results in a conservative amino acid change located in the UDP-glycosyltransferases and similar proteins domain (IPR002213) of the encoded protein sequence. One of two in-silico tools predict a benign effect of the variant on protein function. The variant allele was found at a frequency of 8e-06 in 248996 control chromosomes. The available data on variant occurrences in the general population are insufficient to allow any conclusion about variant significance. c.907G>A has been reported in the presumed compound heterozygous state with 2 other UGT1A1 variants in the literature in at least 1 individual affected with UGT1A1-Related Disorders (example, Skierka_2013). These report(s) do not provide unequivocal conclusions about association of the variant with UGT1A1-Related Disorders. To our knowledge, no experimental evidence demonstrating an impact on protein function has been reported. The following publications have been ascertained in the context of this evaluation (PMID: 30105552, 23290513). ClinVar contains an entry for this variant (Variation ID: 593170). Based on the evidence outlined above, the variant was classified as uncertain significance.

Labcorp Genetics (formerly Invitae), Labcorp
Classification: Uncertain significance. Last evaluated: 2023-10-06. Review status: criteria provided, single submitter. Criteria: Invitae Variant Classification Sherloc (09022015). Collection method: clinical testing. Allele origin: germline.
Comment: This sequence change replaces valine, which is neutral and non-polar, with methionine, which is neutral and non-polar, at codon 303 of the UGT1A1 protein (p.Val303Met). This variant is present in population databases (rs770930440, gnomAD 0.006%). This missense change has been observed in individual(s) with hyperbilirubinemia (PMID: 23290513). ClinVar contains an entry for this variant (Variation ID: 593170). Advanced modeling of protein sequence and biophysical properties (such as structural, functional, and spatial information, amino acid conservation, physicochemical variation, residue mobility, and thermodynamic stability) performed at Invitae indicates that this missense variant is expected to disrupt UGT1A1 protein function. In summary, the available evidence is currently insufficient to determine the role of this variant in disease. Therefore, it has been classified as a Variant of Uncertain Significance.

PreventionGenetics, part of Exact Sciences
Classification: Uncertain significance for UGT1A1-related condition. Last evaluated: 2023-09-04. Review status: criteria provided, single submitter. Criteria: ACMG Guidelines, 2015. Collection method: clinical testing. Allele origin: germline.
Comment: The UGT1A1 c.907G>A variant is predicted to result in the amino acid substitution p.Val303Met. To our knowledge, this variant has not been reported in the literature. This variant is reported in 0.0065% of alleles in individuals of South Asian descent in gnomAD. At this time, the clinical significance of this variant is uncertain due to the absence of conclusive functional and genetic evidence.

Eurofins Ntd Llc (ga)
Classification: Uncertain significance. Last evaluated: 2017-07-11. Review status: criteria provided, single submitter. Criteria: EGL Classification Definitions 2015. Collection method: clinical testing. Allele origin: germline. Observed: 1 variant allele, 1 heterozygote.

Literature cited by the submitters: PubMed 30105552 (cited by Women's Health and Genetics/Laboratory Corporation of America, LabCorp); PubMed 23290513 (cited by Women's Health and Genetics/Laboratory Corporation of America, LabCorp and Labcorp Genetics (formerly Invitae), Labcorp).